The following is an entry in ClinVar:

ClinVar aggregate classification (germline): Uncertain significance. Review status: criteria provided, multiple submitters, no conflicts (2 of 4 stars). 2 submissions from 2 submitters: Uncertain significance (2). Last evaluated 2025-09-01.

Conditions:
Malignant hyperthermia, susceptibility to, 1 (MHS1). Also called: Malignant hyperthermia suceptibility 1; RYR1-Related Malignant Hyperthermia Susceptibility; Anesthesia related hyperthermia; Malignant hyperpyrexia; Fulminating hyperpyrexia; Pharmacogenic myopathy. Identifiers: Orphanet 423, MedGen C2930980, MONDO:0007783, OMIM 145600.
RYR1-related disorder. Also called: RYR1-related disorders; RYR1-related condition. Identifiers: MedGen CN239331.

Allele frequency attached by ClinVar (database versions not stated): gnomAD 0.00001; gnomAD exomes 0.00001; TOPMed 0.00002.
gnomAD v4.1: 9 of 1,613,372 alleles (0.00056%); highest among the groups gnomAD compares: East Asian, 0.0045%; no homozygotes.

Submissions (2):

Color Diagnostics, LLC DBA Color Health
Classification: Uncertain significance for Malignant hyperthermia, susceptibility to, 1. Last evaluated: 2025-09-01. Review status: criteria provided, single submitter. Criteria: ACMG Guidelines, 2015. Collection method: clinical testing. Allele origin: germline.
Comment: This missense variant replaces arginine with histidine at codon 986 of the RYR1 protein. Computational prediction suggests that this variant may not impact protein structure and function. To our knowledge, functional studies have not been reported for this variant. This variant has not been reported in individuals affected with RYR1-related disorders in the literature. This variant has not been identified in the general population by the Genome Aggregation Database (gnomAD). The available evidence is insufficient to determine the role of this variant in disease conclusively. Therefore, this variant is classified as a Variant of Uncertain Significance.

Labcorp Genetics (formerly Invitae), Labcorp
Classification: Uncertain significance for RYR1-related disorder. Last evaluated: 2022-07-25. Review status: criteria provided, single submitter. Criteria: Invitae Variant Classification Sherloc (09022015). Collection method: clinical testing. Allele origin: germline.
Comment: This sequence change replaces arginine, which is basic and polar, with histidine, which is basic and polar, at codon 986 of the RYR1 protein (p.Arg986His). This variant is not present in population databases (gnomAD no frequency). This variant has not been reported in the literature in individuals affected with RYR1-related conditions. ClinVar contains an entry for this variant (Variation ID: 580144). Advanced modeling of protein sequence and biophysical properties (such as structural, functional, and spatial information, amino acid conservation, physicochemical variation, residue mobility, and thermodynamic stability) performed at Invitae indicates that this missense variant is not expected to disrupt RYR1 protein function. In summary, the available evidence is currently insufficient to determine the role of this variant in disease. Therefore, it has been classified as a Variant of Uncertain Significance.

NM_000540.3(RYR1):c.2957G>A (p.Arg986His)

Gene: RYR1 (ryanodine receptor 1; plus strand). Cytogenetic location: 19q13.2.
Variant type: single nucleotide variant.
Coding change: c.2957G>A on transcript NM_000540.3 (MANE Select); coding-DNA position 2957, G replaced by A.
Protein change: p.Arg986His; replaces arginine 986 with histidine.
Molecular consequence: missense variant.
Genome position (GRCh38, 1-based): chr19:38,466,177, G>A. VCF-style: chr19-38466177-G-A. GRCh37 (hg19) VCF-style: chr19-38956817-G-A.
Other names: c.2957G>A, p.Arg986His (NM_001042723.2); short protein forms R986H.
Identifiers: ClinVar variation 580144 (VCV000580144.9), dbSNP rs1407854476, ClinGen allele CA405634784.
Genomic context (GRCh38, chr19:38,466,177, plus strand): 5'-CGGCTCCGCTGGACCTGAGCCACGTGCGGCTGACGCCGGCGCAGACGACACTGGTGGACC[G>A]TCTGGCAGAAAATGGGCACAACGTGTGGGCCCGAGACCGCGTGGGCCAGGGCTGGAGCTA-3'
Protein context (NP_000531.2, residues 976-996): LTPAQTTLVD[Arg986His]LAENGHNVWA